The following is an entry in ClinVar:

NM_000271.5(NPC1):c.390_391dup (p.Asp131fs)

Gene: NPC1 (NPC intracellular cholesterol transporter 1; minus strand). Cytogenetic location: 18q11.2.
Variant type: Duplication.
Coding change: c.390_391dup on transcript NM_000271.5 (MANE Select); coding-DNA positions 390 to 391, 2 bases duplicated (TG; older notation c.390_391dupTG).
Protein change: p.Asp131fs; shifts the reading frame from aspartic acid 131.
Molecular consequence: frameshift variant.
Genome position (GRCh38, 1-based): chr18:23,568,895-23,568,896, CA duplicated on the plus strand (TG on the coding strand, the reverse complement: NPC1 is on the minus strand). VCF-style (leftmost placement, unchanged base first): chr18-23568894-T-TCA. GRCh37 (hg19) VCF-style: chr18-21148858-T-TCA.
Other names: short protein forms D131fs.
Identifiers: ClinVar variation 4818070 (VCV004818070.1).

ClinVar aggregate classification (germline): Likely pathogenic (1 of 4 stars; one submission).

Conditions:
Niemann-Pick disease, type C1. Also called: NIEMANN-PICK DISEASE, VARIANT TYPE C1; NEUROVISCERAL STORAGE DISEASE WITH VERTICAL SUPRANUCLEAR OPHTHALMOPLEGIA; NIEMANN-PICK DISEASE WITH CHOLESTEROL ESTERIFICATION BLOCK; NIEMANN-PICK DISEASE WITHOUT SPHINGOMYELINASE DEFICIENCY; NIEMANN-PICK DISEASE, CHRONIC NEURONOPATHIC FORM. Identifiers: Orphanet 646, MedGen C3179455, MONDO:0009757, OMIM 257220.

Submission:

Natera, Inc.
Classification: Likely pathogenic for Niemann-Pick disease type C1. Last evaluated: 2025-12-17. Review status: criteria provided, single submitter. Criteria: Natera Variant Classification Schema (03/2026). Collection method: clinical testing. Allele origin: germline.
Comment: The c.390_391dup variant in NPC1 is a frameshift variant predicted to shift the reading frame beginning at codon 131 and leads to a stop codon 12 codons downstream. This variant is expected to result in nonsense mediated decay, truncation, or a dysfunctional protein product. This variant is rare in the general population with a frequency below the threshold expected for the associated phenotype(s). Given the available evidence, this variant is classified as Likely Pathogenic.